The following is an entry in ClinVar:

NM_004958.4(MTOR):c.1361G>A (p.Arg454His)

Gene: MTOR (mechanistic target of rapamycin kinase; minus strand). Cytogenetic location: 1p36.22.
Variant type: single nucleotide variant.
Coding change: c.1361G>A on transcript NM_004958.4 (MANE Select); coding-DNA position 1361, G replaced by A.
Protein change: p.Arg454His; replaces arginine 454 with histidine.
Molecular consequence: missense variant.
Genome position (GRCh38, 1-based): chr1:11,243,165, C>T on the plus strand (G>A on the coding strand, the complement: MTOR is on the minus strand). VCF-style: chr1-11243165-C-T. GRCh37 (hg19) VCF-style: chr1-11303222-C-T.
Other names: c.1361G>A, p.Arg454His (NM_001386500.1); c.113G>A, p.Arg38His (NM_001386501.1); short protein forms R38H, R454H.
Identifiers: ClinVar variation 3607400 (VCV003607400.2).

ClinVar aggregate classification (germline): Uncertain significance (1 of 4 stars; one submission).

gnomAD v4.1: 6 of 1,614,082 alleles (0.00037%); highest among the groups gnomAD compares: Middle Eastern, 0.016%; no homozygotes.

Submission:

Labcorp Genetics (formerly Invitae), Labcorp
Classification: Uncertain significance. Last evaluated: 2024-03-13. Review status: criteria provided, single submitter. Criteria: Invitae Variant Classification Sherloc (09022015). Collection method: clinical testing. Allele origin: germline.
Comment: This sequence change replaces arginine, which is basic and polar, with histidine, which is basic and polar, at codon 454 of the MTOR protein (p.Arg454His). This variant is present in population databases (rs747412972, gnomAD 0.002%). This variant has not been reported in the literature in individuals affected with MTOR-related conditions. Advanced modeling of protein sequence and biophysical properties (such as structural, functional, and spatial information, amino acid conservation, physicochemical variation, residue mobility, and thermodynamic stability) performed at Invitae indicates that this missense variant is not expected to disrupt MTOR protein function with a negative predictive value of 95%. In summary, the available evidence is currently insufficient to determine the role of this variant in disease. Therefore, it has been classified as a Variant of Uncertain Significance.